The following is an entry in ClinVar:

ClinVar aggregate classification (germline): Benign (1 of 4 stars; one submission).

Submission:

GeneDx
Classification: Benign. Last evaluated: 2014-03-25. Review status: criteria provided, single submitter. Criteria: GeneDx Variant Classification (06012015). Collection method: clinical testing. Allele origin: germline. Affected: yes.
Comment: The variant is found in CARDIOMYOPATHY panel(s).

NM_001035.3(RYR2):c.-62CCG[6]

Gene: RYR2 (ryanodine receptor 2; plus strand). Cytogenetic location: 1q43.
Variant type: Microsatellite.
Coding change: c.-62CCG[6] on transcript NM_001035.3 (MANE Select); six copies in a row of the 3-base unit CCG starting at c.-62; the reference has five copies in a row; one copy, 3 bases duplicated.
Molecular consequence: 5 prime UTR variant.
Genome position (GRCh38, 1-based): chr1:237,042,472-237,042,474, CCG duplicated; duplicating any 3 consecutive bases within chr1:237,042,459-237,042,474 gives the same sequence; the position shown is the placement nearest the transcript's 3' end. VCF-style (leftmost placement, unchanged base first): chr1-237042458-G-GGCC. GRCh37 (hg19) VCF-style: chr1-237205758-G-GGCC.
Identifiers: ClinVar variation 201174 (VCV000201174.1), dbSNP rs794728699, ClinGen allele CA306786.